The following is an entry in ClinVar:

ClinVar aggregate classification (germline): Uncertain significance (1 of 4 stars; one submission).

Submission:

Labcorp Genetics (formerly Invitae), Labcorp
Classification: Uncertain significance. Last evaluated: 2022-11-30. Review status: criteria provided, single submitter. Criteria: Invitae Variant Classification Sherloc (09022015). Collection method: clinical testing. Allele origin: germline.
Comment: In summary, the available evidence is currently insufficient to determine the role of this variant in disease. Therefore, it has been classified as a Variant of Uncertain Significance. Algorithms developed to predict the effect of missense changes on protein structure and function are either unavailable or do not agree on the potential impact of this missense change (SIFT: "Not Available"; PolyPhen-2: "Benign"; Align-GVGD: "Not Available"). This variant has not been reported in the literature in individuals affected with RIPK1-related conditions. This variant is not present in population databases (gnomAD no frequency). This sequence change replaces methionine, which is neutral and non-polar, with lysine, which is basic and polar, at codon 239 of the RIPK1 protein (p.Met239Lys).

NM_001354930.2(RIPK1):c.716T>A (p.Met239Lys)

Gene: RIPK1 (receptor interacting serine/threonine kinase 1; plus strand). Cytogenetic location: 6p25.2.
Variant type: single nucleotide variant.
Coding change: c.716T>A on transcript NM_001354930.2 (MANE Select); coding-DNA position 716, T replaced by A.
Protein change: p.Met239Lys; replaces methionine 239 with lysine.
Molecular consequence: missense variant.
Genome position (GRCh38, 1-based): chr6:3,085,286, T>A. VCF-style: chr6-3085286-T-A. GRCh37 (hg19) VCF-style: chr6-3085520-T-A.
Other names: c.227T>A, p.Met76Lys (NM_001317061.3, NM_001354932.2, NM_001354933.2 and 1 more transcripts); c.578T>A, p.Met193Lys (NM_001354931.2); c.716T>A, p.Met239Lys (NM_003804.6); short protein forms M239K, M76K, M193K.
Identifiers: ClinVar variation 1966796 (VCV001966796.5), dbSNP rs2533215875, ClinGen allele CA362580321.